The following is an entry in ClinVar:

NM_014265.6(ADAM28):c.2244+811A>G

Genes: ADAM28 (ADAM metallopeptidase domain 28; plus strand), ADAM7-AS1 (ADAM7, ADAMDEC1 and ADAM28 antisense RNA 1; minus strand). Cytogenetic location: 8p21.2.
Variant type: single nucleotide variant.
Coding change: c.2244+811A>G on transcript NM_014265.6 (MANE Select); 811 bases into the intron after coding-DNA position 2244, A replaced by G.
Molecular consequence: intron variant.
Genome position (GRCh38, 1-based): chr8:24,352,863, A>G. VCF-style: chr8-24352863-A-G. GRCh37 (hg19) VCF-style: chr8-24210376-A-G.
Other names: c.2244+811A>G (NM_001304351.2).
Identifiers: ClinVar variation 3905964 (VCV003905964.10).

ClinVar aggregate classification (germline): Likely benign (1 of 4 stars; one submission).

Submission:

CeGaT Center for Human Genetics Tuebingen
Classification: Likely benign. Last evaluated: 2025-06-01. Review status: criteria provided, single submitter. Criteria: CeGaT Center For Human Genetics Tuebingen Variant Classification Criteria Version 2. Collection method: clinical testing. Allele origin: germline. Affected: yes. Observed: 1 variant allele.
Comment: ADAM28: PM2:Supporting, BP4, BP7